The following is an entry in ClinVar:

NM_020812.4(DOCK6):c.4411G>A (p.Gly1471Ser)

Genes: DOCK6 (dedicator of cytokinesis 6; minus strand), DOCK6-AS1 (DOCK6 antisense RNA 1; plus strand). Cytogenetic location: 19p13.2.
Variant type: single nucleotide variant.
Coding change: c.4411G>A on transcript NM_020812.4 (MANE Select); coding-DNA position 4411, G replaced by A.
Protein change: p.Gly1471Ser; replaces glycine 1471 with serine.
Molecular consequence: missense variant.
Genome position (GRCh38, 1-based): chr19:11,213,256, C>T on the plus strand (G>A on the coding strand, the complement: DOCK6 is on the minus strand). VCF-style: chr19-11213256-C-T. GRCh37 (hg19) VCF-style: chr19-11323932-C-T.
Other names: c.4516G>A, p.Gly1506Ser (NM_001367830.1); short protein forms G1471S, G1506S.
Identifiers: ClinVar variation 1714774 (VCV001714774.6), dbSNP rs1326719789, ClinGen allele CA404082022.
Genomic context (GRCh38, chr19:11,213,256, plus strand): 5'-GTCGCATGAGCAGGTACAGCGAGGCGCTGGCGTGCGTGCGGATGGTGCTGATGCGGCTGC[C>T]ACAGTGTCGTAGGAGCCTCAGGCACAGGTCGGCACACAGCTCCGTGTCCTCCTCGAACAG-3'
Protein context (NP_065863.2, residues 1461-1481): DLCLRLLRHC[Gly1471Ser]SRISTIRTHA

ClinVar aggregate classification (germline): Uncertain significance (1 of 4 stars; one submission).

Allele frequency attached by ClinVar (database versions not stated): gnomAD exomes below 0.00001; gnomAD 0.00001.
gnomAD v4.1: 2 of 1,612,972 alleles (0.00012%); highest among the groups gnomAD compares: African/African-American, 0.0013%; no homozygotes.

Submission:

Labcorp Genetics (formerly Invitae), Labcorp
Classification: Uncertain significance. Last evaluated: 2023-11-27. Review status: criteria provided, single submitter. Criteria: Invitae Variant Classification Sherloc (09022015). Collection method: clinical testing. Allele origin: germline.
Comment: This sequence change replaces glycine, which is neutral and non-polar, with serine, which is neutral and polar, at codon 1471 of the DOCK6 protein (p.Gly1471Ser). The frequency data for this variant in the population databases is considered unreliable, as metrics indicate poor data quality at this position in the gnomAD database. This variant has not been reported in the literature in individuals affected with DOCK6-related conditions. ClinVar contains an entry for this variant (Variation ID: 1714774). Algorithms developed to predict the effect of missense changes on protein structure and function output the following: SIFT: "Not Available"; PolyPhen-2: "Benign"; Align-GVGD: "Not Available". The serine amino acid residue is found in multiple mammalian species, which suggests that this missense change does not adversely affect protein function. In summary, the available evidence is currently insufficient to determine the role of this variant in disease. Therefore, it has been classified as a Variant of Uncertain Significance.